The following is an entry in ClinVar:

ClinVar aggregate classification (germline): Likely benign (0 of 4 stars; one submission).

Conditions:
OPTN-related disorder. Also called: OPTN-related condition; OPTN-related disorders.

Submission:

PreventionGenetics, part of Exact Sciences
Classification: Likely benign for OPTN-related condition. Last evaluated: 2024-06-26. Review status: no assertion criteria provided. Collection method: clinical testing. Allele origin: germline.
Comment: This variant is classified as likely benign based on ACMG/AMP sequence variant interpretation guidelines (Richards et al. 2015 PMID: 25741868, with internal and published modifications).

NM_001008212.2(OPTN):c.1434A>G (p.Glu478=)

Gene: OPTN (optineurin; plus strand). Cytogenetic location: 10p13.
Variant type: single nucleotide variant.
Coding change: c.1434A>G on transcript NM_001008212.2 (MANE Select); coding-DNA position 1434, A replaced by G.
Protein change: p.Glu478=; no amino-acid change (glutamic acid 478 retained).
Molecular consequence: synonymous variant.
Genome position (GRCh38, 1-based): chr10:13,132,099, A>G. VCF-style: chr10-13132099-A-G. GRCh37 (hg19) VCF-style: chr10-13174099-A-G.
Other names: c.1434A>G, p.Glu478= (NM_001008211.1, NM_001008213.1, NM_021980.4).
Identifiers: ClinVar variation 3357611 (VCV003357611.1).